The following is an entry in ClinVar:

ClinVar aggregate classification (germline): Uncertain significance (3 of 4 stars; one submission).

Conditions:
Monogenic diabetes. Identifiers: Orphanet 183625, MedGen C3888631, MONDO:0015967.

Submission:

ClinGen Monogenic Diabetes Variant Curation Expert Panel
Classification: Uncertain significance for Monogenic diabetes. Last evaluated: 2025-07-24. Review status: reviewed by expert panel. Criteria: ClinGen Diabetes ACMG Specifications HNF1A V3.0.0. Collection method: curation. Allele origin: germline. Inheritance: Autosomal dominant inheritance.
Comment: The c.80T>C variant in the HNF1 homeobox A gene, HNF1A, causes an amino acid change of isoleucine to threonine at codon 27 (p.(Ile27Thr)) of NM_000545.8. This variant is located within the DNA dimerization domain (codons 1-32) of HNF1A, which is defined as critical for the protein’s function by the ClinGen MDEP (PM1_Supporting) and is absent from gnomAD v4.1.0 (PM2_Supporting). Additionally, this variant is predicted to be deleterious by computational evidence, with a REVEL score of 0.844, which is greater than the MDEP VCEP threshold of 0.70 (PP3). This variant was identified in an individual with a clinical history suggestive of HNF1A-MODY (MODY probability calculator result >50%); however, HNF4A was not tested and therefore PP4 could not be applied (PMID: 18003757). Another missense variant, c.80T>G (p.Ile27Ser), has been classified as a VUS by the ClinGen MDEP; therefore, PM5 could not be applied. In summary, c.80T>C meets the criteria to be classified as a variant of uncertain significance for monogenic diabetes. ACMG/AMP criteria applied, as specified by the ClinGen MDEP (specification version 3.0.0, approved 6/30/2025): PM1_Supporting, PM2_Supporting, PP3.

Literature cited by the submitters: PubMed 18003757.

NM_000545.8(HNF1A):c.80T>C (p.Ile27Thr)

Gene: HNF1A (HNF1 homeobox A; plus strand). Cytogenetic location: 12q24.31.
Variant type: single nucleotide variant.
Coding change: c.80T>C on transcript NM_000545.8 (MANE Select); coding-DNA position 80, T replaced by C.
Protein change: p.Ile27Thr; replaces isoleucine 27 with threonine.
Molecular consequence: missense variant.
Genome position (GRCh38, 1-based): chr12:120,978,848, T>C. VCF-style: chr12-120978848-T-C. GRCh37 (hg19) VCF-style: chr12-121416651-T-C.
Other names: NM_001306179.2:c.80T>C; c.80T>C, p.Ile27Thr (NM_001306179.2); short protein forms I27T.
Identifiers: ClinVar variation 1676692 (VCV001676692.4), dbSNP rs2135819576, ClinGen allele CA386952722.